The following is an entry in ClinVar:

ClinVar aggregate classification (germline): Benign/Likely benign. Review status: criteria provided, multiple submitters, no conflicts (2 of 4 stars). 4 submissions from 4 submitters: Benign (1); Likely benign (2). 1 of the submissions does not count toward it. Last evaluated 2026-07-01.

Conditions:
MRPS16-related disorder. Also called: MRPS16-related condition.

Allele frequency attached by ClinVar (database versions not stated): gnomAD 0.00001 and 0.00025; TOPMed 0.00007; gnomAD exomes 0.00047 and 0.00089; ExAC 0.00121; 1000 Genomes Project 30x 0.00141; 1000 Genomes Project 0.00180.
gnomAD v4.1: 734 of 1,612,736 alleles (0.046%); highest among the groups gnomAD compares: South Asian, 0.7%; 10 homozygotes.

Submissions (5):

CeGaT Center for Human Genetics Tuebingen
Classification: Likely benign. Last evaluated: 2026-07-01. Review status: criteria provided, single submitter. Criteria: CeGaT Center For Human Genetics Tuebingen Variant Classification Criteria Version 2. Collection method: clinical testing. Allele origin: germline. Affected: yes. Observed: 1 variant allele.
Comment: MRPS16: BP4, BS2

Labcorp Genetics (formerly Invitae), Labcorp
Classification: Benign. Last evaluated: 2025-12-25. Review status: criteria provided, single submitter. Criteria: Invitae Variant Classification Sherloc (09022015). Collection method: clinical testing. Allele origin: germline.

GeneDx
Classification: Likely benign. Last evaluated: 2019-12-18. Review status: criteria provided, single submitter. Criteria: GeneDx Variant Classification Process June 2021. Collection method: clinical testing. Allele origin: germline. Affected: yes.

PreventionGenetics, part of Exact Sciences
Classification: Likely benign for MRPS16-related condition. Last evaluated: 2019-06-10. Review status: no assertion criteria provided. Collection method: clinical testing. Allele origin: germline. Not counted in ClinVar's aggregate classification.
Comment: This variant is classified as likely benign based on ACMG/AMP sequence variant interpretation guidelines (Richards et al. 2015 PMID: 25741868, with internal and published modifications).

Dr. Peter K. Rogan Lab, Western University
No classification provided (evidence only). Condition: Malignant tumor of esophagus. Review status: no classification provided. Collection method: in vitro. Allele origin: not applicable. Functional consequence: skipped exon, retained intron. Not counted in ClinVar's aggregate classification.

NM_016065.4(MRPS16):c.14-3C>T

Genes: DNAJC9-AS1 (DNAJC9 and MRPS16 antisense RNA 1; plus strand), MRPS16 (mitochondrial ribosomal protein S16; minus strand). Cytogenetic location: 10q22.2.
Variant type: single nucleotide variant.
Coding change: c.14-3C>T on transcript NM_016065.4 (MANE Select); 3 bases into the intron before coding-DNA position 14, C replaced by T.
Molecular consequence: intron variant.
Genome position (GRCh38, 1-based): chr10:73,252,026, G>A on the plus strand (C>T on the coding strand, the complement: MRPS16 is on the minus strand). VCF-style: chr10-73252026-G-A. GRCh37 (hg19) VCF-style: chr10-75011784-G-A.
Other names: c.14-3C>T (NM_016065.3).
Identifiers: ClinVar variation 1317884 (VCV001317884.13), dbSNP rs201540616, ClinGen allele CA5553441.